The following is an entry in ClinVar:

NM_006185.4(NUMA1):c.3943C>G (p.Leu1315Val)

Gene: NUMA1 (nuclear mitotic apparatus protein 1; minus strand). Cytogenetic location: 11q13.4.
Variant type: single nucleotide variant.
Coding change: c.3943C>G on transcript NM_006185.4 (MANE Select); coding-DNA position 3943, C replaced by G.
Protein change: p.Leu1315Val; replaces leucine 1315 with valine.
Molecular consequence: missense variant.
Genome position (GRCh38, 1-based): chr11:72,013,560, G>C on the plus strand (C>G on the coding strand, the complement: NUMA1 is on the minus strand). VCF-style: chr11-72013560-G-C. GRCh37 (hg19) VCF-style: chr11-71724606-G-C.
Other names: c.3943C>G, p.Leu1315Val (NM_001286561.2); short protein forms L1315V.
Identifiers: ClinVar variation 4084686 (VCV004084686.8).

ClinVar aggregate classification (germline): Likely benign (1 of 4 stars; one submission).

gnomAD v4.1: 34 of 1,613,284 alleles (0.0021%); highest among the groups gnomAD compares: Middle Eastern, 0.033%; no homozygotes.

Submission:

CeGaT Center for Human Genetics Tuebingen
Classification: Likely benign. Last evaluated: 2025-08-01. Review status: criteria provided, single submitter. Criteria: CeGaT Center For Human Genetics Tuebingen Variant Classification Criteria Version 2. Collection method: clinical testing. Allele origin: germline. Affected: yes. Observed: 1 variant allele.
Comment: NUMA1: BP4